The following is an entry in ClinVar:

ClinVar aggregate classification (germline): Uncertain significance (1 of 4 stars; one submission).

Conditions:
Short-rib thoracic dysplasia 7 with or without polydactyly (SRTD7). Also called: Short rib polydactyly syndrome 5; SHORT-RIB THORACIC DYSPLASIA 7 WITH POLYDACTYLY. Identifiers: Orphanet 498497, Orphanet 93271, MedGen C3279792, MONDO:0013569, OMIM 614091.
Cranioectodermal dysplasia 2 (CED2). Identifiers: Orphanet 1515, MedGen C3150874, MONDO:0013323, OMIM 613610.

Allele frequency attached by ClinVar (database versions not stated): gnomAD 0.00001; gnomAD exomes 0.00001.
gnomAD v4.1: 9 of 1,613,512 alleles (0.00056%); highest among the groups gnomAD compares: African/African-American, 0.0013%; no homozygotes.

Submission:

Labcorp Genetics (formerly Invitae), Labcorp
Classification: Uncertain significance for Cranioectodermal dysplasia 2; Short-rib thoracic dysplasia 7 with or without polydactyly. Last evaluated: 2022-03-15. Review status: criteria provided, single submitter. Criteria: Invitae Variant Classification Sherloc (09022015). Collection method: clinical testing. Allele origin: germline.
Comment: This sequence change replaces isoleucine, which is neutral and non-polar, with threonine, which is neutral and polar, at codon 210 of the WDR35 protein (p.Ile210Thr). This variant is present in population databases (no rsID available, gnomAD 0.007%). This variant has not been reported in the literature in individuals affected with WDR35-related conditions. Algorithms developed to predict the effect of missense changes on protein structure and function (SIFT, PolyPhen-2, Align-GVGD) all suggest that this variant is likely to be tolerated. In summary, the available evidence is currently insufficient to determine the role of this variant in disease. Therefore, it has been classified as a Variant of Uncertain Significance.

NM_020779.4(WDR35):c.629T>C (p.Ile210Thr)

Gene: WDR35 (WD repeat domain 35; minus strand). Cytogenetic location: 2p24.1.
Variant type: single nucleotide variant.
Coding change: c.629T>C on transcript NM_020779.4 (MANE Select); coding-DNA position 629, T replaced by C.
Protein change: p.Ile210Thr; replaces isoleucine 210 with threonine.
Molecular consequence: missense variant.
Genome position (GRCh38, 1-based): chr2:19,974,575, A>G on the plus strand (T>C on the coding strand, the complement: WDR35 is on the minus strand). VCF-style: chr2-19974575-A-G. GRCh37 (hg19) VCF-style: chr2-20174336-A-G.
Other names: c.629T>C, p.Ile210Thr (NM_001006657.2); short protein forms I210T.
Identifiers: ClinVar variation 2112612 (VCV002112612.1), dbSNP rs1293640834, ClinGen allele CA345947295.